The following is an entry in ClinVar:

NM_021615.5(CHST6):c.*435C>T

Gene: CHST6 (carbohydrate sulfotransferase 6; minus strand). Cytogenetic location: 16q23.1.
Variant type: single nucleotide variant.
Coding change: c.*435C>T on transcript NM_021615.5 (MANE Select); 435 bases downstream of the stop codon, C replaced by T.
Molecular consequence: 3 prime UTR variant.
Genome position (GRCh38, 1-based): chr16:75,478,206, G>A on the plus strand (C>T on the coding strand, the complement: CHST6 is on the minus strand). VCF-style: chr16-75478206-G-A. GRCh37 (hg19) VCF-style: chr16-75512104-G-A.
Identifiers: ClinVar variation 886918 (VCV000886918.4), dbSNP rs375230497, ClinGen allele CA283852689.

ClinVar aggregate classification (germline): Likely benign (1 of 4 stars; one submission).

Conditions:
Macular corneal dystrophy (MCD). Also called: GROENOUW TYPE II CORNEAL DYSTROPHY; Macular corneal dystrophy Type I. Identifiers: Orphanet 98969, MedGen C1636149, MONDO:0009020, OMIM 217800.

Allele frequency attached by ClinVar (database versions not stated): gnomAD 0.00013 and 0.00048; TOPMed 0.00021; gnomAD exomes 0.00154; 1000 Genomes Project 30x 0.00203; 1000 Genomes Project 0.00220.
gnomAD v4.1: 182 of 224,836 alleles (0.081%); highest among the groups gnomAD compares: South Asian, 1.1%; 1 homozygote.

Submission:

Illumina Laboratory Services, Illumina
Classification: Likely benign for Macular corneal dystrophy. Last evaluated: 2018-01-12. Review status: criteria provided, single submitter. Criteria: ICSL Variant Classification Criteria 13 December 2019. Collection method: clinical testing. Allele origin: germline.
Comment: This variant was observed in the ICSL laboratory as part of a predisposition screen in an ostensibly healthy population. It had not been previously curated by ICSL or reported in the Human Gene Mutation Database (HGMD: prior to June 1st, 2018), and was therefore a candidate for classification through an automated scoring system. Utilizing variant allele frequency, disease prevalence and penetrance estimates, and inheritance mode, an automated score was calculated to assess if this variant is too frequent to cause the disease. Based on the score and internal cut-off values, a variant classified as likely benign is not then subjected to further curation. The score for this variant resulted in a classification of likely benign for this disease.